The following is an entry in ClinVar:

NM_000038.6(APC):c.1390C>T (p.His464Tyr)

Gene: APC (APC regulator of Wnt signaling pathway; plus strand). Cytogenetic location: 5q22.2.
Variant type: single nucleotide variant.
Coding change: c.1390C>T on transcript NM_000038.6 (MANE Select); coding-DNA position 1390, C replaced by T.
Protein change: p.His464Tyr; replaces histidine 464 with tyrosine.
Molecular consequence: missense variant.
Genome position (GRCh38, 1-based): chr5:112,821,973, C>T. VCF-style: chr5-112821973-C-T. GRCh37 (hg19) VCF-style: chr5-112157670-C-T.
Other names: c.1390C>T, p.His464Tyr (NM_001127510.3, NM_001354895.2, NM_001354896.2); c.1336C>T, p.His446Tyr (NM_001127511.3); c.1420C>T, p.His474Tyr (NM_001354897.2); c.1315C>T, p.His439Tyr (NM_001354898.2); c.1306C>T, p.His436Tyr (NM_001354899.2); c.1213C>T, p.His405Tyr (NM_001354900.2, NM_001354901.2); c.1117C>T, p.His373Tyr (NM_001354902.2); c.1087C>T, p.His363Tyr (NM_001354903.2); and 3 more; short protein forms H304Y, H446Y, H464Y, H474Y, H181Y, H405Y, H436Y, H338Y.
Identifiers: ClinVar variation 1372955 (VCV001372955.6), dbSNP rs1334246086, ClinGen allele CA16024354.

ClinVar aggregate classification (germline): Uncertain significance (1 of 4 stars; one submission).

Conditions:
Familial adenomatous polyposis 1 (FAP1). Also called: FAMILIAL ADENOMATOUS POLYPOSIS 1, ATTENUATED; POLYPOSIS, ADENOMATOUS INTESTINAL. Identifiers: MedGen C2713442, MONDO:0021056, OMIM 175100. Disease mechanism: loss of function.

Submission:

Labcorp Genetics (formerly Invitae), Labcorp
Classification: Uncertain significance for Familial adenomatous polyposis 1. Last evaluated: 2021-08-06. Review status: criteria provided, single submitter. Criteria: Invitae Variant Classification Sherloc (09022015). Collection method: clinical testing. Allele origin: germline.
Comment: This sequence change replaces histidine with tyrosine at codon 464 of the APC protein (p.His464Tyr). The histidine residue is highly conserved and there is a moderate physicochemical difference between histidine and tyrosine. This variant is not present in population databases (ExAC no frequency). This variant has not been reported in the literature in individuals affected with APC-related conditions. Algorithms developed to predict the effect of missense changes on protein structure and function are either unavailable or do not agree on the potential impact of this missense change (SIFT: "Deleterious"; PolyPhen-2: "Probably Damaging"; Align-GVGD: "Class C0"). In summary, the available evidence is currently insufficient to determine the role of this variant in disease. Therefore, it has been classified as a Variant of Uncertain Significance.